The following is an entry in ClinVar:

NM_001205293.3(CACNA1E):c.5192G>A (p.Arg1731Gln)

Gene: CACNA1E (calcium voltage-gated channel subunit alpha1 E; plus strand). Cytogenetic location: 1q25.3.
Variant type: single nucleotide variant.
Coding change: c.5192G>A on transcript NM_001205293.3 (MANE Select); coding-DNA position 5192, G replaced by A.
Protein change: p.Arg1731Gln; replaces arginine 1731 with glutamine.
Molecular consequence: missense variant.
Genome position (GRCh38, 1-based): chr1:181,776,153, G>A. VCF-style: chr1-181776153-G-A. GRCh37 (hg19) VCF-style: chr1-181745289-G-A.
Other names: c.5192G>A, p.Arg1731Gln (NM_000721.4); c.5135G>A, p.Arg1712Gln (NM_001205294.2); short protein forms R1731Q, R1712Q.
Identifiers: ClinVar variation 2964774 (VCV002964774.3), dbSNP rs1030552397, ClinGen allele CA33844504.

ClinVar aggregate classification (germline): Uncertain significance (1 of 4 stars; one submission).

Allele frequency attached by ClinVar (database versions not stated): TOPMed below 0.00001.
gnomAD v4.1: 23 of 1,613,870 alleles (0.0014%); highest among the groups gnomAD compares: Non-Finnish European, 0.0019%; no homozygotes.

Submission:

Labcorp Genetics (formerly Invitae), Labcorp
Classification: Uncertain significance. Last evaluated: 2024-09-05. Review status: criteria provided, single submitter. Criteria: Invitae Variant Classification Sherloc (09022015). Collection method: clinical testing. Allele origin: germline.
Comment: This sequence change replaces arginine, which is basic and polar, with glutamine, which is neutral and polar, at codon 1731 of the CACNA1E protein (p.Arg1731Gln). This variant is present in population databases (no rsID available, gnomAD 0.0009%). This missense change has been observed in individual(s) with epileptic encephalopathy (PMID: 34055682). In at least one individual the variant was observed to be de novo. This missense change has been observed in at least one individual who was not affected with CACNA1E-related conditions (internal data). This variant is also known as p.Arg1712Gln. Invitae Evidence Modeling of protein sequence and biophysical properties (such as structural, functional, and spatial information, amino acid conservation, physicochemical variation, residue mobility, and thermodynamic stability) has been performed for this missense variant. However, the output from this modeling did not meet the statistical confidence thresholds required to predict the impact of this variant on CACNA1E protein function. In summary, the available evidence is currently insufficient to determine the role of this variant in disease. Therefore, it has been classified as a Variant of Uncertain Significance.

Literature cited by the submitters: PubMed 34055682.